The following is an entry in ClinVar:

ClinVar aggregate classification (germline): Likely pathogenic. Review status: criteria provided, multiple submitters, no conflicts (2 of 4 stars). 2 submissions from 2 submitters: Likely pathogenic (2). Last evaluated 2025-09-16.

Conditions:
Maple syrup urine disease type 1B (MSUD1B). Also called: MSUD type IB; MSUD type 3 (formerly); MSUD due to deficiency of e1-beta subunit of branched-chain alpha-keto acid dehydrogenase complex. Identifiers: MedGen C2930990, MONDO:0023692, OMIM 620698.
Maple syrup urine disease (MSUD). Identifiers: Orphanet 511, MedGen C0024776, MeSH D008375, MONDO:0009563. Disease mechanism: loss of function.

Allele frequency attached by ClinVar (database versions not stated): TOPMed below 0.00001; gnomAD exomes 0.00001.
gnomAD v4.1: 9 of 1,614,150 alleles (0.00056%); highest among the groups gnomAD compares: Non-Finnish European, 0.00068%; no homozygotes.

Submissions (2):

Natera, Inc.
Classification: Likely pathogenic for Maple syrup urine disease type 1B. Last evaluated: 2025-09-16. Review status: criteria provided, single submitter. Criteria: Natera Variant Classification Schema (03/2026). Collection method: clinical testing. Allele origin: germline.
Comment: The c.584A>G variant in BCKDHB is a missense variant predicted to cause substitution of tyrosine to cysteine at amino acid 195. This variant is rare in the general population with a frequency below the threshold expected for the associated phenotype(s). This variant has been observed in one or more individuals affected with the associated recessive disease, as either homozygous or compound heterozygous with a second variant (PMID: 36874425, 32151765). This variant has been identified in one or more affected individual with a phenotype highly consistent with the associated gene (PMID: 36874425). Computational prediction algorithms indicate this variant is likely to affect gene or protein function. Given the available evidence, this variant is classified as Likely Pathogenic.

Labcorp Genetics (formerly Invitae), Labcorp
Classification: Likely pathogenic for Maple syrup urine disease. Last evaluated: 2025-09-03. Review status: criteria provided, single submitter. Criteria: Invitae Variant Classification Sherloc (09022015). Collection method: clinical testing. Allele origin: germline.
Comment: This sequence change replaces tyrosine, which is neutral and polar, with cysteine, which is neutral and slightly polar, at codon 195 of the BCKDHB protein (p.Tyr195Cys). This variant is not present in population databases (gnomAD no frequency). This missense change has been observed in individual(s) with maple syrup urine disease (PMID: 31251765). It has also been observed to segregate with disease in related individuals. ClinVar contains an entry for this variant (Variation ID: 2147982). Invitae Evidence Modeling of protein sequence and biophysical properties (such as structural, functional, and spatial information, amino acid conservation, physicochemical variation, residue mobility, and thermodynamic stability) indicates that this missense variant is expected to disrupt BCKDHB protein function with a positive predictive value of 80%. In summary, the currently available evidence indicates that the variant is pathogenic, but additional data are needed to prove that conclusively. Therefore, this variant has been classified as Likely Pathogenic.

Literature cited by the submitters: PubMed 36874425 (cited by Natera, Inc.); PubMed 32151765 (cited by Natera, Inc.); PubMed 31251765 (cited by Labcorp Genetics (formerly Invitae), Labcorp).

NM_183050.4(BCKDHB):c.584A>G (p.Tyr195Cys)

Gene: BCKDHB (branched chain keto acid dehydrogenase E1 subunit beta; plus strand). Cytogenetic location: 6q14.1.
Variant type: single nucleotide variant.
Coding change: c.584A>G on transcript NM_183050.4 (MANE Select); coding-DNA position 584, A replaced by G.
Protein change: p.Tyr195Cys; replaces tyrosine 195 with cysteine.
Molecular consequence: missense variant. On other transcripts: non-coding transcript variant (1).
Genome position (GRCh38, 1-based): chr6:80,168,981, A>G. VCF-style: chr6-80168981-A-G. GRCh37 (hg19) VCF-style: chr6-80878698-A-G.
Other names: c.584A>G, p.Tyr195Cys (NM_000056.5); c.374A>G, p.Tyr125Cys (NM_001318975.1); short protein forms Y125C, Y195C.
Identifiers: ClinVar variation 2147982 (VCV002147982.8), dbSNP rs1009457715, ClinGen allele CA142284038.